The following is an entry in ClinVar:

NM_001267550.2(TTN):c.69292_69299dup (p.Ala23101fs)

Genes: TTN (titin; minus strand), TTN-AS1 (TTN antisense RNA 1; plus strand). Cytogenetic location: 2q31.2.
Variant type: Duplication.
Coding change: c.69292_69299dup on transcript NM_001267550.2 (MANE Select); coding-DNA positions 69292 to 69299, 8 bases duplicated (AGGCATGT; older notation c.69292_69299dupAGGCATGT).
Protein change: p.Ala23101fs; shifts the reading frame from alanine 23101.
Molecular consequence: frameshift variant.
Genome position (GRCh38, 1-based): chr2:178,577,036-178,577,043, ACATGCCT duplicated on the plus strand (AGGCATGT on the coding strand, the reverse complement: TTN is on the minus strand). VCF-style (leftmost placement, unchanged base first): chr2-178577035-C-CACATGCCT. GRCh37 (hg19) VCF-style: chr2-179441762-C-CACATGCCT.
Other names: c.64369_64376dup, p.Ala21460fs (NM_001256850.1); c.42097_42104dup, p.Ala14036fs (NM_003319.4); c.61588_61595dup, p.Ala20533fs (NM_133378.4); c.42472_42479dup, p.Ala14161fs (NM_133432.3); c.42673_42680dup, p.Ala14228fs (NM_133437.4); short protein forms A14036fs, A14161fs, A14228fs, A20533fs, A21460fs, A23101fs.
Identifiers: ClinVar variation 2574058 (VCV002574058.1), dbSNP rs2468761031, ClinGen allele CA2697551401.

ClinVar aggregate classification (germline): Likely pathogenic (0 of 4 stars; one submission).

Conditions:
Dilated cardiomyopathy 1G (CMD1G). Identifiers: Orphanet 154, MedGen C1858763, MONDO:0011400, OMIM 604145.

Submission:

deCODE genetics, Amgen
Classification: Likely pathogenic for Dilated cardiomyopathy 1G. Last evaluated: 2023-07-21. Review status: no assertion criteria provided. Collection method: research. Allele origin: germline. Affected: yes. Observed: 3 variant alleles.
Comment: The variant NM_001267550.2:c.69292_69299dup (chr2:178577035) in TTN was detected in 3 heterozygotes out of 58K WGS Icelanders (MAF= 0,003%). This variant has not been reported in ClinVar previously. Based on ACMG criteria (PVS1, PM2) this variant classifies as likely pathogenic.